The following is an entry in ClinVar:

NM_002661.5(PLCG2):c.2399C>A (p.Ser800Tyr)

Gene: PLCG2 (phospholipase C gamma 2; plus strand). Cytogenetic location: 16q23.3.
Variant type: single nucleotide variant.
Coding change: c.2399C>A on transcript NM_002661.5 (MANE Select); coding-DNA position 2399, C replaced by A.
Protein change: p.Ser800Tyr; replaces serine 800 with tyrosine.
Molecular consequence: missense variant.
Genome position (GRCh38, 1-based): chr16:81,923,576, C>A. VCF-style: chr16-81923576-C-A. GRCh37 (hg19) VCF-style: chr16-81957181-C-A.
Other names: short protein forms S800Y.
Identifiers: ClinVar variation 1493027 (VCV001493027.6), dbSNP rs769337881, ClinGen allele CA396902575.

ClinVar aggregate classification (germline): Uncertain significance (1 of 4 stars; one submission).

Conditions:
Familial cold autoinflammatory syndrome 3 (FCAS3). Also called: FAMILIAL ATYPICAL COLD URTICARIA; ANTIBODY DEFICIENCY AND IMMUNE DYSREGULATION, PLCG2-ASSOCIATED. Identifiers: Orphanet 300359, MedGen C3280914, MONDO:0013766, OMIM 614468.

Submission:

Labcorp Genetics (formerly Invitae), Labcorp
Classification: Uncertain significance for Familial cold autoinflammatory syndrome 3. Last evaluated: 2021-09-26. Review status: criteria provided, single submitter. Criteria: Invitae Variant Classification Sherloc (09022015). Collection method: clinical testing. Allele origin: germline.
Comment: In summary, the available evidence is currently insufficient to determine the role of this variant in disease. Therefore, it has been classified as a Variant of Uncertain Significance. Algorithms developed to predict the effect of missense changes on protein structure and function (SIFT, PolyPhen-2, Align-GVGD) all suggest that this variant is likely to be tolerated. This variant has not been reported in the literature in individuals affected with PLCG2-related conditions. This variant is not present in population databases (ExAC no frequency). This sequence change replaces serine with tyrosine at codon 800 of the PLCG2 protein (p.Ser800Tyr). The serine residue is moderately conserved and there is a large physicochemical difference between serine and tyrosine.